The following is an entry in ClinVar:

NM_198578.4(LRRK2):c.457T>C (p.Leu153=)

Gene: LRRK2 (leucine rich repeat kinase 2; plus strand). Cytogenetic location: 12q12.
Variant type: single nucleotide variant.
Coding change: c.457T>C on transcript NM_198578.4 (MANE Select); coding-DNA position 457, T replaced by C.
Protein change: p.Leu153=; no amino-acid change (leucine 153 retained).
Molecular consequence: synonymous variant.
Genome position (GRCh38, 1-based): chr12:40,237,989, T>C. VCF-style: chr12-40237989-T-C. GRCh37 (hg19) VCF-style: chr12-40631791-T-C.
Other names: p.Leu153=.
Identifiers: ClinVar variation 39192 (VCV000039192.25), dbSNP rs10878245, ClinGen allele CA343594.

ClinVar aggregate classification (germline): Benign. Review status: criteria provided, multiple submitters, no conflicts (2 of 4 stars). 9 submissions from 9 submitters: Benign (5). 4 of the submissions do not count toward it. Last evaluated 2026-02-04.

Conditions:
Autosomal dominant Parkinson disease 8. Also called: Parkinson disease 8, susceptibility to; LRRK2-Related Parkinson Disease; Parkinson disease 8. Identifiers: Orphanet 411602, MedGen C1846862, MONDO:0011764, OMIM 607060.

Allele frequency attached by ClinVar (database versions not stated): gnomAD exomes 0.52060 and 0.59090; ExAC 0.52626; 1000 Genomes Project 30x 0.45066; 1000 Genomes Project 0.45288; TOPMed 0.49141; gnomAD 0.50692 and 0.50897; ESP Exome Variant Server 0.52906.
gnomAD v4.1: 937,080 of 1,609,940 alleles (58%); highest among the groups gnomAD compares: Non-Finnish European, 62%; 279,105 homozygotes.

Submissions (9):

Labcorp Genetics (formerly Invitae), Labcorp
Classification: Benign for Autosomal dominant Parkinson disease 8. Last evaluated: 2026-02-04. Review status: criteria provided, single submitter. Criteria: Invitae Variant Classification Sherloc (09022015). Collection method: clinical testing. Allele origin: germline.

Mayo Clinic Laboratories, Mayo Clinic
Classification: Benign. Last evaluated: 2022-03-24. Review status: criteria provided, single submitter. Criteria: ACMG Guidelines, 2015. Collection method: clinical testing. Allele origin: germline. Observed: 505 variant alleles.

GeneDx
Classification: Benign. Last evaluated: 2018-08-15. Review status: criteria provided, single submitter. Criteria: GeneDx Variant Classification Process June 2021. Collection method: clinical testing. Allele origin: germline. Affected: yes.

Illumina Laboratory Services, Illumina
Classification: Benign for Autosomal dominant Parkinson disease 8. Last evaluated: 2018-01-13. Review status: criteria provided, single submitter. Criteria: ICSL Variant Classification Criteria 13 December 2019. Collection method: clinical testing. Allele origin: germline.
Comment: This variant was observed in the ICSL laboratory as part of a predisposition screen in an ostensibly healthy population. It had not been previously curated by ICSL or reported in the Human Gene Mutation Database (HGMD: prior to June 1st, 2018), and was therefore a candidate for classification through an automated scoring system. Utilizing variant allele frequency, disease prevalence and penetrance estimates, and inheritance mode, an automated score was calculated to assess if this variant is too frequent to cause the disease. Based on the score and internal cut-off values, a variant classified as benign is not then subjected to further curation. The score for this variant resulted in a classification of benign for this disease.

Breakthrough Genomics
Classification: Benign. Review status: criteria provided, single submitter. Criteria: ACMG Guidelines, 2015. Collection method: not provided. Allele origin: germline. Inheritance: Autosomal dominant inheritance. Affected: yes.

Diagnostic Laboratory, Department of Genetics, University Medical Center Groningen
Classification: Benign. Review status: no assertion criteria provided. Collection method: clinical testing. Allele origin: germline. Affected: yes. Study: VKGL Data-share Consensus. Not counted in ClinVar's aggregate classification.

GeneReviews
No classification provided. Condition: Autosomal dominant Parkinson disease 8. Review status: no classification provided. Collection method: literature only. Allele origin: unknown. Not counted in ClinVar's aggregate classification.

Genome Diagnostics Laboratory, Amsterdam University Medical Center
Classification: Benign. Review status: no assertion criteria provided. Collection method: clinical testing. Allele origin: germline. Affected: yes. Study: VKGL Data-share Consensus. Not counted in ClinVar's aggregate classification.

Joint Genome Diagnostic Labs from Nijmegen and Maastricht, Radboudumc and MUMC+
Classification: Benign. Review status: no assertion criteria provided. Collection method: clinical testing. Allele origin: germline. Affected: yes. Study: VKGL Data-share Consensus. Not counted in ClinVar's aggregate classification.

Literature cited by the submitters: PubMed 20301387 (cited by GeneReviews); NCBI Bookshelf NBK1208 (cited by GeneReviews).